The following is an entry in ClinVar:

ClinVar aggregate classification (germline): Uncertain significance. Review status: criteria provided, multiple submitters, no conflicts (2 of 4 stars). 4 submissions from 4 submitters: Uncertain significance (4). Last evaluated 2025-10-17.

Conditions:
Arrhythmogenic right ventricular cardiomyopathy (ARVD). Also called: Arrhythmogenic right ventricular dysplasia; Cardiomyopathy, ARVC; Arrhythmogenic cardiomyopathy; Arrhythmogenic Right Ventricular Cardiomyopathy (ARVC). Identifiers: Orphanet 247, MedGen C0349788, MeSH D019571, MONDO:0016587. Disease mechanism: loss of function. Inheritance: Various modes of inheritance.
Cardiovascular phenotype. Identifiers: MedGen CN230736.
Arrhythmogenic right ventricular dysplasia 9 (ARVD9). Also called: ARRHYTHMOGENIC RIGHT VENTRICULAR DYSPLASIA, FAMILIAL, 9; Arrhythmogenic Right Ventricular Dysplasia/Cardiomyopathy 9. Identifiers: MedGen C1836906, MONDO:0012180, OMIM 609040.
Cardiomyopathy (CMYO). Also called: Cardiomyopathies. Identifiers: Orphanet 167848, MedGen C0878544, MONDO:0004994, HP:0001638. Inheritance: Various modes of inheritance.

Allele frequency attached by ClinVar (database versions not stated): gnomAD 0.00001; TOPMed 0.00001.
gnomAD v4.1: 2 of 1,614,048 alleles (0.00012%); highest among the groups gnomAD compares: Non-Finnish European, 0.00017%; no homozygotes.

Submissions (4):

Labcorp Genetics (formerly Invitae), Labcorp
Classification: Uncertain significance for Arrhythmogenic right ventricular dysplasia 9. Last evaluated: 2025-10-17. Review status: criteria provided, single submitter. Criteria: Invitae Variant Classification Sherloc (09022015). Collection method: clinical testing. Allele origin: germline.
Comment: This sequence change replaces leucine, which is neutral and non-polar, with glutamine, which is neutral and polar, at codon 401 of the PKP2 protein (p.Leu401Gln). This variant is present in population databases (no rsID available, gnomAD 0.0009%). This variant has not been reported in the literature in individuals affected with PKP2-related conditions. ClinVar contains an entry for this variant (Variation ID: 2774100). An algorithm developed to predict the effect of missense changes on protein structure and function (PolyPhen-2) suggests that this variant is likely to be disruptive. In summary, the available evidence is currently insufficient to determine the role of this variant in disease. Therefore, it has been classified as a Variant of Uncertain Significance.

Ambry Genetics
Classification: Uncertain significance for Cardiovascular phenotype. Last evaluated: 2024-04-12. Review status: criteria provided, single submitter. Criteria: Ambry Variant Classification Scheme 2023. Collection method: clinical testing. Allele origin: germline.
Comment: The p.L401Q variant (also known as c.1202T>A), located in coding exon 5 of the PKP2 gene, results from a T to A substitution at nucleotide position 1202. The leucine at codon 401 is replaced by glutamine, an amino acid with dissimilar properties. This amino acid position is conserved. In addition, the in silico prediction for this alteration is inconclusive. Based on the available evidence, the clinical significance of this variant remains unclear.

Color Diagnostics, LLC DBA Color Health
Classification: Uncertain significance for Cardiomyopathy. Last evaluated: 2024-03-06. Review status: criteria provided, single submitter. Criteria: ACMG Guidelines, 2015. Collection method: clinical testing. Allele origin: germline.
Comment: This missense variant replaces leucine with glutamine at codon 401 of the PKP2 protein. Computational prediction suggests that this variant may have deleterious impact on protein structure and function (internally defined REVEL score threshold >= 0.7, PMID: 27666373). To our knowledge, functional studies have not been reported for this variant. This variant has not been reported in individuals affected with cardiovascular disorders in the literature. This variant has been identified in 1/251286 chromosomes in the general population by the Genome Aggregation Database (gnomAD). The available evidence is insufficient to determine the role of this variant in disease conclusively. Therefore, this variant is classified as a Variant of Uncertain Significance.

All of Us Research Program, National Institutes of Health
Classification: Uncertain significance for Arrhythmogenic right ventricular cardiomyopathy. Last evaluated: 2023-06-08. Review status: criteria provided, single submitter. Criteria: ACMG Guidelines, 2015. Collection method: clinical testing. Allele origin: germline. Inheritance: Autosomal dominant inheritance. Observed: 1 variant allele, 1 heterozygote.
Comment: This missense variant replaces leucine with glutamine at codon 401 of the PKP2 protein. Computational prediction suggests that this variant may have deleterious impact on protein structure and function (internally defined REVEL score threshold >= 0.7, PMID: 27666373). To our knowledge, functional studies have not been reported for this variant. This variant has not been reported in individuals affected with cardiovascular disorders in the literature. This variant has been identified in 1/251286 chromosomes in the general population by the Genome Aggregation Database (gnomAD). The available evidence is insufficient to determine the role of this variant in disease conclusively. Therefore, this variant is classified as a Variant of Uncertain Significance.

This study involves interpretation of variants in research participants for the purpose of population health screening. Participant phenotype was not available at the time of variant classification. Additional details can be found in publication PMID: 35346344, PMCID: PMC8962531

NM_001005242.3(PKP2):c.1202T>A (p.Leu401Gln)

Gene: PKP2 (plakophilin 2; minus strand). Cytogenetic location: 12p11.21.
Variant type: single nucleotide variant.
Coding change: c.1202T>A on transcript NM_001005242.3 (MANE Select); coding-DNA position 1202, T replaced by A.
Protein change: p.Leu401Gln; replaces leucine 401 with glutamine.
Molecular consequence: missense variant.
Genome position (GRCh38, 1-based): chr12:32,850,942, A>T on the plus strand (T>A on the coding strand, the complement: PKP2 is on the minus strand). VCF-style: chr12-32850942-A-T. GRCh37 (hg19) VCF-style: chr12-33003876-A-T.
Other names: c.1202T>A, p.Leu401Gln (NM_001407155.1, NM_001407156.1, NM_001407157.1 and 2 more transcripts); c.875T>A, p.Leu292Gln (NM_001407158.1, NM_001407159.1, NM_001407160.1 and 1 more transcripts); short protein forms L401Q, L292Q.
Identifiers: ClinVar variation 2774100 (VCV002774100.5), dbSNP rs1340944438, ClinGen allele CA384370894.